The following is an entry in ClinVar:

NM_000218.3(KCNQ1):c.1514+23744C>T

Genes: KCNQ1 (potassium voltage-gated channel subfamily Q member 1; plus strand), KCNQ1OT1 (KCNQ1 opposite strand/antisense transcript 1; minus strand). Cytogenetic location: 11p15.5.
Variant type: single nucleotide variant.
Coding change: c.1514+23744C>T on transcript NM_000218.3 (MANE Select); 23744 bases into the intron after coding-DNA position 1514, C replaced by T.
Molecular consequence: intron variant.
Genome position (GRCh38, 1-based): chr11:2,685,825, C>T. VCF-style: chr11-2685825-C-T. GRCh37 (hg19) VCF-style: chr11-2707055-C-T.
Other names: c.1244+23744C>T (NM_001406837.1); c.1418+23744C>T (NM_001406836.1); c.974+23744C>T (NM_001406838.1); c.1133+23744C>T (NM_181798.2); c.1514+23744C>T (NM_000218.2).
Identifiers: ClinVar variation 2498495 (VCV002498495.29), dbSNP rs144675024, ClinGen allele CA216188434.

ClinVar aggregate classification (germline): Benign. Review status: criteria provided, single submitter (1 of 4 stars). 2 submissions from 2 submitters: Benign (1). 1 of the submissions does not count toward it. Last evaluated 2026-08-01.

Conditions:
KCNQ1-related disorder. Also called: KCNQ1-related condition; KCNQ1-related disorders. Identifiers: MedGen CN239322.

Allele frequency attached by ClinVar (database versions not stated): 1000 Genomes Project 30x 0.00172; 1000 Genomes Project 0.00180; gnomAD exomes 0.00226; TOPMed 0.00250; gnomAD 0.00269.
gnomAD v4.1: 968 of 398,728 alleles (0.24%); highest among the groups gnomAD compares: Non-Finnish European, 0.31%; 1 homozygote.

Submissions (2):

CeGaT Center for Human Genetics Tuebingen
Classification: Benign. Last evaluated: 2026-08-01. Review status: criteria provided, single submitter. Criteria: CeGaT Center For Human Genetics Tuebingen Variant Classification Criteria Version 2. Collection method: clinical testing. Allele origin: germline. Affected: yes. Observed: 17 variant alleles.
Comment: KCNQ1OT1: BS1, BS2

PreventionGenetics, part of Exact Sciences
Classification: Likely benign for KCNQ1-related condition. Last evaluated: 2020-12-09. Review status: no assertion criteria provided. Collection method: clinical testing. Allele origin: germline. Not counted in ClinVar's aggregate classification.
Comment: This variant is classified as likely benign based on ACMG/AMP sequence variant interpretation guidelines (Richards et al. 2015 PMID: 25741868, with internal and published modifications).